The following is an entry in ClinVar:

ClinVar aggregate classification (germline): Benign/Likely benign. Review status: criteria provided, multiple submitters, no conflicts (2 of 4 stars). 5 submissions from 5 submitters: Benign (4); Likely benign (1). Last evaluated 2026-02-03.

Allele frequency attached by ClinVar (database versions not stated): 1000 Genomes Project 0.01178; 1000 Genomes Project 30x 0.01234; TOPMed 0.02760; ESP Exome Variant Server 0.02883; ExAC 0.03198; gnomAD exomes 0.03088; gnomAD 0.03054 and 0.03229.
gnomAD v4.1: 60,750 of 1,610,018 alleles (3.8%); highest among the groups gnomAD compares: Non-Finnish European, 4.3%; 1,452 homozygotes.

Submissions (5):

Labcorp Genetics (formerly Invitae), Labcorp
Classification: Benign. Last evaluated: 2026-02-03. Review status: criteria provided, single submitter. Criteria: Invitae Variant Classification Sherloc (09022015). Collection method: clinical testing. Allele origin: germline.

GeneDx
Classification: Benign. Last evaluated: 2018-08-30. Review status: criteria provided, single submitter. Criteria: GeneDx Variant Classification Process June 2021. Collection method: clinical testing. Allele origin: germline. Affected: yes.
Comment: This variant is associated with the following publications: (PMID: 29248581)

Eurofins Ntd Llc (ga)
Classification: Benign. Last evaluated: 2015-07-01. Review status: criteria provided, single submitter. Criteria: EGL Classification Definitions 2015. Collection method: clinical testing. Allele origin: germline. Observed: 1 variant allele, 1 heterozygote.

Breakthrough Genomics
Classification: Likely benign. Review status: criteria provided, single submitter. Criteria: ACMG Guidelines, 2015. Collection method: not provided. Allele origin: germline. Inheritance: Autosomal recessive inheritance. Affected: yes.

PreventionGenetics, part of Exact Sciences
Classification: Benign. Review status: criteria provided, single submitter. Criteria: ACMG Guidelines, 2015. Collection method: clinical testing. Allele origin: germline.

NM_033100.4(CDHR1):c.2434C>T (p.Pro812Ser)

Gene: CDHR1 (cadherin related family member 1; plus strand). Cytogenetic location: 10q23.1.
Variant type: single nucleotide variant.
Coding change: c.2434C>T on transcript NM_033100.4 (MANE Select); coding-DNA position 2434, C replaced by T.
Protein change: p.Pro812Ser; replaces proline 812 with serine.
Molecular consequence: missense variant. On other transcripts: intron variant (1).
Genome position (GRCh38, 1-based): chr10:84,214,475, C>T. VCF-style: chr10-84214475-C-T. GRCh37 (hg19) VCF-style: chr10-85974231-C-T.
Other names: c.2040+1127C>T (NM_001171971.3); short protein forms P812S.
Identifiers: ClinVar variation 262213 (VCV000262213.20), dbSNP rs45584033, ClinGen allele CA5580232.